The following is an entry in ClinVar:

NM_007317.3(KIF22):c.281A>G (p.Tyr94Cys)

Gene: KIF22 (kinesin family member 22; plus strand). Cytogenetic location: 16p11.2.
Variant type: single nucleotide variant.
Coding change: c.281A>G on transcript NM_007317.3 (MANE Select); coding-DNA position 281, A replaced by G.
Protein change: p.Tyr94Cys; replaces tyrosine 94 with cysteine.
Molecular consequence: missense variant.
Genome position (GRCh38, 1-based): chr16:29,798,388, A>G. VCF-style: chr16-29798388-A-G. GRCh37 (hg19) VCF-style: chr16-29809709-A-G.
Other names: c.281A>G (NM_007317.2); c.77A>G, p.Tyr26Cys (NM_001256269.2, NM_001256270.1); short protein forms Y26C, Y94C.
Identifiers: ClinVar variation 1304202 (VCV001304202.4), dbSNP rs1245289909, ClinGen allele CA395450579.

ClinVar aggregate classification (germline): Uncertain significance. Review status: criteria provided, multiple submitters, no conflicts (2 of 4 stars). 2 submissions from 2 submitters: Uncertain significance (2). Last evaluated 2024-12-22.

Conditions:
KIF22-related disorder. Also called: KIF22-related condition.

Allele frequency attached by ClinVar (database versions not stated): gnomAD exomes below 0.00001.

Submissions (2):

PreventionGenetics, part of Exact Sciences
Classification: Uncertain significance for KIF22-related condition. Last evaluated: 2024-12-22. Review status: criteria provided, single submitter. Criteria: ACMG Guidelines, 2015. Collection method: clinical testing. Allele origin: germline.
Comment: The KIF22 c.281A>G variant is predicted to result in the amino acid substitution p.Tyr94Cys. To our knowledge, this variant has not been reported in the literature or in a large population database (gnomAD), indicating this variant is rare. At this time, the clinical significance of this variant is uncertain due to the absence of conclusive functional and genetic evidence.

GeneDx
Classification: Uncertain significance. Last evaluated: 2024-04-04. Review status: criteria provided, single submitter. Criteria: GeneDx Variant Classification Process June 2021. Collection method: clinical testing. Allele origin: germline. Affected: yes.
Comment: Not observed at significant frequency in large population cohorts (gnomAD); In silico analysis supports that this missense variant has a deleterious effect on protein structure/function; Has not been previously published as pathogenic or benign to our knowledge